The following is an entry in ClinVar:

ClinVar aggregate classification (germline): Likely benign. Review status: criteria provided, single submitter (1 of 4 stars). 2 submissions from 2 submitters: Likely benign (1). 1 of the submissions does not count toward it. Last evaluated 2024-10-15.

Conditions:
TUBGCP6-related disorder. Also called: TUBGCP6-related condition.

Allele frequency attached by ClinVar (database versions not stated): gnomAD 0.00001; gnomAD exomes 0.00001 and 0.00004; TOPMed 0.00001; ExAC 0.00003.
gnomAD v4.1: 20 of 1,613,466 alleles (0.0012%); highest among the groups gnomAD compares: Non-Finnish European, 0.000085%; no homozygotes.

Submissions (2):

Labcorp Genetics (formerly Invitae), Labcorp
Classification: Likely benign. Last evaluated: 2024-10-15. Review status: criteria provided, single submitter. Criteria: Invitae Variant Classification Sherloc (09022015). Collection method: clinical testing. Allele origin: germline.

PreventionGenetics, part of Exact Sciences
Classification: Likely benign for TUBGCP6-related condition. Last evaluated: 2019-07-03. Review status: no assertion criteria provided. Collection method: clinical testing. Allele origin: germline. Not counted in ClinVar's aggregate classification.
Comment: This variant is classified as likely benign based on ACMG/AMP sequence variant interpretation guidelines (Richards et al. 2015 PMID: 25741868, with internal and published modifications).

NM_020461.4(TUBGCP6):c.3828C>T (p.His1276=)

Gene: TUBGCP6 (tubulin gamma complex component 6; minus strand). Cytogenetic location: 22q13.33.
Variant type: single nucleotide variant.
Coding change: c.3828C>T on transcript NM_020461.4 (MANE Select); coding-DNA position 3828, C replaced by T.
Protein change: p.His1276=; no amino-acid change (histidine 1276 retained).
Molecular consequence: synonymous variant.
Genome position (GRCh38, 1-based): chr22:50,220,531, G>A on the plus strand (C>T on the coding strand, the complement: TUBGCP6 is on the minus strand). VCF-style: chr22-50220531-G-A. GRCh37 (hg19) VCF-style: chr22-50658960-G-A.
Other names: c.3828C>T (NM_020461.3).
Identifiers: ClinVar variation 1545668 (VCV001545668.9), dbSNP rs202072424, ClinGen allele CA10307808.